The following is an entry in ClinVar:

NM_001005388.3(NFASC):c.2082G>A (p.Pro694=)

Gene: NFASC (neurofascin; plus strand). Cytogenetic location: 1q32.1.
Variant type: single nucleotide variant.
Coding change: c.2082G>A on transcript NM_001005388.3 (MANE Select); coding-DNA position 2082, G replaced by A.
Protein change: p.Pro694=; no amino-acid change (proline 694 retained).
Molecular consequence: synonymous variant.
Genome position (GRCh38, 1-based): chr1:204,979,465, G>A. VCF-style: chr1-204979465-G-A. GRCh37 (hg19) VCF-style: chr1-204948593-G-A.
Other names: c.2115G>A, p.Pro705= (NM_001160331.2); c.2070G>A, p.Pro690= (NM_001160332.2, NM_001365986.1, NM_015090.4); c.2082G>A, p.Pro694= (NM_001378329.1).
Identifiers: ClinVar variation 2639840 (VCV002639840.24), dbSNP rs764323507, ClinGen allele CA1350166.

ClinVar aggregate classification (germline): Likely benign (1 of 4 stars; one submission).

Allele frequency attached by ClinVar (database versions not stated): ExAC 0.00002; gnomAD 0.00005.
gnomAD v4.1: 54 of 1,613,838 alleles (0.0033%); highest among the groups gnomAD compares: Middle Eastern, 0.066%; 1 homozygote.

Submission:

CeGaT Center for Human Genetics Tuebingen
Classification: Likely benign. Last evaluated: 2022-06-01. Review status: criteria provided, single submitter. Criteria: CeGaT Center For Human Genetics Tuebingen Variant Classification Criteria Version 2. Collection method: clinical testing. Allele origin: germline. Affected: yes. Observed: 1 variant allele.
Comment: NFASC: BP4, BP7